The following is an entry in ClinVar:

ClinVar aggregate classification (germline): Likely benign. Review status: criteria provided, multiple submitters, no conflicts (2 of 4 stars). 2 submissions from 2 submitters: Likely benign (2). Last evaluated 2026-01-27.

Conditions:
Hereditary nonpolyposis colorectal neoplasms. Identifiers: MedGen C0009405, MeSH D003123.

Allele frequency attached by ClinVar (database versions not stated): gnomAD 0.00002; TOPMed 0.00003.
gnomAD v4.1: 5 of 1,612,476 alleles (0.00031%); highest among the groups gnomAD compares: African/African-American, 0.0067%; no homozygotes.

Submissions (2):

Labcorp Genetics (formerly Invitae), Labcorp
Classification: Likely benign for Hereditary nonpolyposis colorectal neoplasms. Last evaluated: 2026-01-27. Review status: criteria provided, single submitter. Criteria: Invitae Variant Classification Sherloc (09022015). Collection method: clinical testing. Allele origin: germline.

GeneDx
Classification: Likely benign. Last evaluated: 2017-05-15. Review status: criteria provided, single submitter. Criteria: GeneDx Variant Classification (06012015). Collection method: clinical testing. Allele origin: germline. Affected: yes.
Comment: This variant is considered likely benign or benign based on one or more of the following criteria: it is a conservative change, it occurs at a poorly conserved position in the protein, it is predicted to be benign by multiple in silico algorithms, and/or has population frequency not consistent with disease.

NM_000535.7(PMS2):c.23+17G>A

Gene: PMS2 (PMS1 homolog 2, mismatch repair system component; minus strand). Cytogenetic location: 7p22.1.
Variant type: single nucleotide variant.
Coding change: c.23+17G>A on transcript NM_000535.7 (MANE Select); 17 bases into the intron after coding-DNA position 23, G replaced by A.
Molecular consequence: intron variant. On other transcripts: 5 prime UTR variant (2).
Genome position (GRCh38, 1-based): chr7:6,008,980, C>T on the plus strand (G>A on the coding strand, the complement: PMS2 is on the minus strand). VCF-style: chr7-6008980-C-T. GRCh37 (hg19) VCF-style: chr7-6048611-C-T.
Other names: c.-556G>A (NM_001322005.2); c.-551G>A (NM_001322009.2); c.-53+17G>A (NM_001322008.2); c.-243+17G>A (NM_001322010.2, NM_001322004.2); c.-378+17G>A (NM_001322013.2, NM_001322003.2); c.-857+17G>A (NM_001322012.2); c.-457+17G>A (NM_001322015.2); c.-193+17G>A (NM_001322007.2); and 2 more.
Identifiers: ClinVar variation 378381 (VCV000378381.8), dbSNP rs780132980, ClinGen allele CA16605872.